The following is an entry in ClinVar:

ClinVar aggregate classification (germline): Conflicting classifications of pathogenicity. Review status: criteria provided, conflicting classifications (1 of 4 stars). 5 submissions from 5 submitters: Uncertain significance (4); Likely benign (1). Last evaluated 2025-07-21.

Conditions:
Oligodontia-cancer predisposition syndrome. Also called: TOOTH AGENESIS-COLORECTAL CANCER SYNDROME. Identifiers: Orphanet 300576, MedGen C1837750, MONDO:0012075, OMIM 608615. Disease mechanism: loss of function.
Colorectal cancer. Also called: Colorectal cancer, somatic; Malignant Colorectal Neoplasm. Identifiers: MedGen C0346629, MONDO:0005575, OMIM 114500.
Hereditary cancer-predisposing syndrome. Also called: Hereditary neoplastic syndrome; Neoplastic Syndromes, Hereditary; Tumor predisposition; Hereditary Cancer Syndrome. Identifiers: Orphanet 140162, MedGen C0027672, MeSH D009386, MONDO:0015356.

Allele frequency attached by ClinVar (database versions not stated): gnomAD exomes 0.00001.
gnomAD v4.1: 7 of 1,612,494 alleles (0.00043%); highest among the groups gnomAD compares: Middle Eastern, 0.018%; no homozygotes.

Submissions (5):

Labcorp Genetics (formerly Invitae), Labcorp
Classification: Uncertain significance for Oligodontia-cancer predisposition syndrome. Last evaluated: 2025-07-21. Review status: criteria provided, single submitter. Criteria: Invitae Variant Classification Sherloc (09022015). Collection method: clinical testing. Allele origin: germline.
Comment: This sequence change replaces arginine, which is basic and polar, with glycine, which is neutral and non-polar, at codon 595 of the AXIN2 protein (p.Arg595Gly). This variant is not present in population databases (gnomAD no frequency). This variant has not been reported in the literature in individuals affected with AXIN2-related conditions. ClinVar contains an entry for this variant (Variation ID: 533176). An algorithm developed to predict the effect of missense changes on protein structure and function (PolyPhen-2) suggests that this variant is likely to be tolerated. In summary, the available evidence is currently insufficient to determine the role of this variant in disease. Therefore, it has been classified as a Variant of Uncertain Significance.

Ambry Genetics
Classification: Likely benign for Hereditary cancer-predisposing syndrome. Last evaluated: 2024-06-24. Review status: criteria provided, single submitter. Criteria: Ambry Variant Classification Scheme 2023. Collection method: clinical testing. Allele origin: germline.

Baylor Genetics
Classification: Uncertain significance for Colorectal cancer. Last evaluated: 2023-08-03. Review status: criteria provided, single submitter. Criteria: ACMG Guidelines, 2015. Collection method: clinical testing. Allele origin: unknown.

Sema4
Classification: Uncertain significance for Hereditary cancer-predisposing syndrome. Last evaluated: 2022-02-23. Review status: criteria provided, single submitter. Criteria: Sema4 Curation Guidelines. Collection method: curation. Allele origin: germline.
Comment: The AXIN2 c.1783A>G (p.R595G) variant has not been reported in the literature to our knowledge. It was not observed in the large and broad cohorts of the Genome Aggregation Database (PMID: 32461654). This variant has been reported in ClinVar (Variation ID: 533176). In silico tools suggest the impact of the variant on protein function is benign, though these predictions have not been confirmed by functional studies. The evidence is insufficient to meet ACMG/AMP criteria for classifying the variant as benign or pathogenic. Thus, the clinical significance of this variant is currently uncertain.

GeneDx
Classification: Uncertain significance. Last evaluated: 2019-06-10. Review status: criteria provided, single submitter. Criteria: GeneDx Variant Classification Process June 2021. Collection method: clinical testing. Allele origin: germline. Affected: yes.
Comment: Not observed in large population cohorts (Lek et al., 2016); Has not been previously published as pathogenic or benign to our knowledge

NM_004655.4(AXIN2):c.1783A>G (p.Arg595Gly)

Gene: AXIN2 (axin 2; minus strand). Cytogenetic location: 17q24.1.
Variant type: single nucleotide variant.
Coding change: c.1783A>G on transcript NM_004655.4 (MANE Select); coding-DNA position 1783, A replaced by G.
Protein change: p.Arg595Gly; replaces arginine 595 with glycine.
Molecular consequence: missense variant. On other transcripts: intron variant (1).
Genome position (GRCh38, 1-based): chr17:65,536,993, T>C on the plus strand (A>G on the coding strand, the complement: AXIN2 is on the minus strand). VCF-style: chr17-65536993-T-C. GRCh37 (hg19) VCF-style: chr17-63533111-T-C.
Other names: c.1712+331A>G (NM_001363813.1); c.1783A>G (LRG_296t1); short protein forms R595G.
Identifiers: ClinVar variation 533176 (VCV000533176.16), dbSNP rs1555577433, ClinGen allele CA400676632.
Genomic context (GRCh38, chr17:65,536,993, plus strand): 5'-TGTCTCCTTCCTCCCGGGGAAGCTGCAGGGCCCCAGCTCCGCCGGGGGCCCCTCCTTCCC[T>C]GGCGGGCAGGGCCAGGCCCGGCTCCGTGCCTTTCCCATTGCGTTTGGGCAAGGTACTGCC-3'
Protein context (NP_004646.3, residues 585-605): GTEPGLALPA[Arg595Gly]EGGAPGGAGA